The following is an entry in ClinVar:

ClinVar aggregate classification (germline): Uncertain significance. Review status: criteria provided, multiple submitters, no conflicts (2 of 4 stars). 2 submissions from 2 submitters: Uncertain significance (2). Last evaluated 2023-10-10.

Allele frequency attached by ClinVar (database versions not stated): TOPMed below 0.00001; gnomAD 0.00001; gnomAD exomes 0.00001 and 0.00003.

Submissions (2):

Blueprint Genetics
Classification: Uncertain significance. Last evaluated: 2023-10-10. Review status: criteria provided, single submitter. Criteria: ACMG Guidelines, 2015. Collection method: clinical testing. Allele origin: germline.

Labcorp Genetics (formerly Invitae), Labcorp
Classification: Uncertain significance. Last evaluated: 2022-06-04. Review status: criteria provided, single submitter. Criteria: Invitae Variant Classification Sherloc (09022015). Collection method: clinical testing. Allele origin: germline.
Comment: In summary, the available evidence is currently insufficient to determine the role of this variant in disease. Therefore, it has been classified as a Variant of Uncertain Significance. Advanced modeling of protein sequence and biophysical properties (such as structural, functional, and spatial information, amino acid conservation, physicochemical variation, residue mobility, and thermodynamic stability) performed at Invitae indicates that this missense variant is not expected to disrupt KCNV2 protein function. ClinVar contains an entry for this variant (Variation ID: 954049). This variant has not been reported in the literature in individuals affected with KCNV2-related conditions. This variant is present in population databases (no rsID available, gnomAD 0.002%). This sequence change replaces tyrosine, which is neutral and polar, with histidine, which is basic and polar, at codon 239 of the KCNV2 protein (p.Tyr239His).

NM_133497.4(KCNV2):c.715T>C (p.Tyr239His)

Gene: KCNV2 (potassium voltage-gated channel modifier subfamily V member 2; plus strand). Cytogenetic location: 9p24.2.
Variant type: single nucleotide variant.
Coding change: c.715T>C on transcript NM_133497.4 (MANE Select); coding-DNA position 715, T replaced by C.
Protein change: p.Tyr239His; replaces tyrosine 239 with histidine.
Molecular consequence: missense variant.
Genome position (GRCh38, 1-based): chr9:2,718,454, T>C. VCF-style: chr9-2718454-T-C. GRCh37 (hg19) VCF-style: chr9-2718454-T-C.
Other names: short protein forms Y239H.
Identifiers: ClinVar variation 954049 (VCV000954049.10), dbSNP rs973199066, ClinGen allele CA187972744.